The following is an entry in ClinVar:

NM_001145358.2(SIN3A):c.3614G>A (p.Arg1205His)

Gene: SIN3A (SIN3 transcription regulator family member A; minus strand). Cytogenetic location: 15q24.2.
Variant type: single nucleotide variant.
Coding change: c.3614G>A on transcript NM_001145358.2 (MANE Select); coding-DNA position 3614, G replaced by A.
Protein change: p.Arg1205His; replaces arginine 1205 with histidine.
Molecular consequence: missense variant.
Genome position (GRCh38, 1-based): chr15:75,372,187, C>T on the plus strand (G>A on the coding strand, the complement: SIN3A is on the minus strand). VCF-style: chr15-75372187-C-T. GRCh37 (hg19) VCF-style: chr15-75664528-C-T.
Other names: c.3614G>A, p.Arg1205His (NM_001145357.2, NM_015477.3); short protein forms R1205H.
Identifiers: ClinVar variation 1696625 (VCV001696625.3), dbSNP rs747873220, ClinGen allele CA7667187.

ClinVar aggregate classification (germline): Uncertain significance. Review status: criteria provided, multiple submitters, no conflicts (2 of 4 stars). 2 submissions from 2 submitters: Uncertain significance (2). Last evaluated 2024-03-21.

Conditions:
SIN3A-related intellectual disability syndrome due to a point mutation. Also called: WITTEVEEN-KOLK SYNDROME; 15q24 Microdeletion Syndrome. Identifiers: Orphanet 500166, Orphanet 94065, MedGen C4310804, MONDO:0044700, OMIM 613406.

Allele frequency attached by ClinVar (database versions not stated): ExAC 0.00001; gnomAD 0.00001; gnomAD exomes 0.00001; TOPMed 0.00001.

Submissions (2):

Labcorp Genetics (formerly Invitae), Labcorp
Classification: Uncertain significance. Last evaluated: 2024-03-21. Review status: criteria provided, single submitter. Criteria: Invitae Variant Classification Sherloc (09022015). Collection method: clinical testing. Allele origin: germline.
Comment: This sequence change replaces arginine, which is basic and polar, with histidine, which is basic and polar, at codon 1205 of the SIN3A protein (p.Arg1205His). This variant is present in population databases (rs747873220, gnomAD 0.007%). This variant has not been reported in the literature in individuals affected with SIN3A-related conditions. ClinVar contains an entry for this variant (Variation ID: 1696625). Advanced modeling of protein sequence and biophysical properties (such as structural, functional, and spatial information, amino acid conservation, physicochemical variation, residue mobility, and thermodynamic stability) performed at Invitae indicates that this missense variant is not expected to disrupt SIN3A protein function with a negative predictive value of 80%. In summary, the available evidence is currently insufficient to determine the role of this variant in disease. Therefore, it has been classified as a Variant of Uncertain Significance.

New York Genome Center
Classification: Uncertain significance for SIN3A-related intellectual disability syndrome due to a point mutation. Last evaluated: 2021-07-29. Review status: criteria provided, single submitter. Criteria: NYGC Assertion Criteria 2020. Collection method: clinical testing. Allele origin: germline. Observed: 1 heterozygote. Study: CSER-NYCKidSeq.